The following is an entry in ClinVar:

ClinVar aggregate classification (germline): Pathogenic (1 of 4 stars; one submission).

Conditions:
Spermatogenic failure 18. Identifiers: MedGen C4539783, MONDO:0054615, OMIM 617576.
Ciliary dyskinesia, primary, 37 (CILD37). Also called: CILIARY DYSKINESIA, PRIMARY, 37, WITH OR WITHOUT SITUS INVERSUS. Identifiers: MedGen C4539798, MONDO:0033204, OMIM 617577.

Submission:

Labcorp Genetics (formerly Invitae), Labcorp
Classification: Pathogenic for Ciliary dyskinesia, primary, 37; Spermatogenic failure 18. Last evaluated: 2025-03-05. Review status: criteria provided, single submitter. Criteria: Invitae Variant Classification Sherloc (09022015). Collection method: clinical testing. Allele origin: germline.
Comment: This sequence change creates a premature translational stop signal (p.Phe2256Serfs*41) in the DNAH1 gene. It is expected to result in an absent or disrupted protein product. Loss-of-function variants in DNAH1 are known to be pathogenic (PMID: 27573432, 27798045). This variant is present in population databases (no rsID available, gnomAD 0.0009%). This variant has not been reported in the literature in individuals affected with DNAH1-related conditions. Algorithms developed to predict the effect of sequence changes on RNA splicing suggest that this variant may disrupt the consensus splice site. For these reasons, this variant has been classified as Pathogenic.

Literature cited by the submitters: PubMed 27573432; PubMed 27798045.

NM_015512.5(DNAH1):c.6765del (p.Phe2256fs)

Gene: DNAH1 (dynein axonemal heavy chain 1; plus strand). Cytogenetic location: 3p21.1.
Variant type: Deletion.
Coding change: c.6765del on transcript NM_015512.5 (MANE Select); coding-DNA position 6765, one base deleted (C; older notation c.6765delC).
Protein change: p.Phe2256fs; shifts the reading frame from phenylalanine 2256.
Molecular consequence: frameshift variant.
Genome position (GRCh38, 1-based): chr3:52,372,325, C deleted; the last of 2 consecutive C bases (chr3:52,372,324-52,372,325); deleting either gives the same sequence. VCF-style (leftmost placement, unchanged base first): chr3-52372323-AC-A. GRCh37 (hg19) VCF-style: chr3-52406339-AC-A.
Other names: short protein forms F2256fs.
Identifiers: ClinVar variation 4787748 (VCV004787748.1).